The following is an entry in ClinVar:

ClinVar aggregate classification (germline): Uncertain significance (1 of 4 stars; one submission).

Conditions:
Hyper-IgM syndrome type 1. Also called: CD40 Ligand Deficiency; Hyper-IgM Immunodeficiency Syndrome, Type 1; X-linked hyper-IgM syndrome; Immunodeficiency, X-linked, with hyper-IgM. Identifiers: Orphanet 101088, MedGen C0398689, MONDO:0010626, OMIM 308230.

Submission:

Labcorp Genetics (formerly Invitae), Labcorp
Classification: Uncertain significance for Immunodeficiency with hyper IgM type 1. Last evaluated: 2018-06-16. Review status: criteria provided, single submitter. Criteria: Invitae Variant Classification Sherloc (09022015). Collection method: clinical testing. Allele origin: germline.
Comment: This variant, c.403_405delACA, results in the deletion of 1 amino acids of the CD40LG protein (p.Thr135del), but otherwise preserves the integrity of the reading frame. This variant is not present in population databases (ExAC no frequency). This variant has not been reported in the literature in individuals with CD40LG-related disease. Experimental studies and prediction algorithms are not available for this variant, and the functional significance of the deleted amino acid is currently unknown. In summary, the available evidence is currently insufficient to determine the role of this variant in disease. Therefore, it has been classified as a Variant of Uncertain Significance.

NM_000074.3(CD40LG):c.400ACA[1] (p.Thr135del)

Gene: CD40LG (CD40 ligand; plus strand). Cytogenetic location: Xq26.3.
Variant type: Microsatellite.
Coding change: c.400ACA[1] on transcript NM_000074.3 (MANE Select); one copy of the 3-base unit ACA starting at c.400; the reference has two copies in a row; one copy, 3 bases deleted.
Protein change: p.Thr135del; deletes threonine 135.
Molecular consequence: inframe deletion.
Genome position (GRCh38, 1-based): chrX:136,656,412-136,656,414, ACA deleted; deleting any 3 consecutive bases within chrX:136,656,408-136,656,414 gives the same sequence; the position shown is the placement nearest the transcript's 3' end. VCF-style (leftmost placement, unchanged base first): chrX-136656407-AAAC-A. GRCh37 (hg19) VCF-style: chrX-135738566-AAAC-A.
Other names: c.403_405delACA (NM_000074.2); short protein forms T135del.
Identifiers: ClinVar variation 572191 (VCV000572191.1), dbSNP rs1490893550, ClinGen allele CA644630652.